The following is an entry in ClinVar:

NM_032043.3(BRIP1):c.3029A>G (p.Gln1010Arg)

Gene: BRIP1 (BRCA1 interacting DNA helicase 1; minus strand). Cytogenetic location: 17q23.2.
Variant type: single nucleotide variant.
Coding change: c.3029A>G on transcript NM_032043.3 (MANE Select); coding-DNA position 3029, A replaced by G.
Protein change: p.Gln1010Arg; replaces glutamine 1010 with arginine.
Molecular consequence: missense variant.
Genome position (GRCh38, 1-based): chr17:61,684,017, T>C on the plus strand (A>G on the coding strand, the complement: BRIP1 is on the minus strand). VCF-style: chr17-61684017-T-C. GRCh37 (hg19) VCF-style: chr17-59761378-T-C.
Other names: short protein forms Q1010R.
Identifiers: ClinVar variation 1798987 (VCV001798987.5), dbSNP rs2061322760, ClinGen allele CA400479959.
Genomic context (GRCh38, chr17:61,684,017, plus strand): 5'-GCACTATTCTCTGATGACCCGAGCTCAGGTGTTGCCTTCGGTATTTTACCAGTAAAATAC[T>C]GTCCCAAAGAATTAAAGCTTGACCAGCTAACTCTCTTTGTTTGTTTGTTGAAAGTTGGGC-3'
Protein context (NP_114432.2, residues 1000-1020): VSWSSFNSLG[Gln1010Arg]YFTGKIPKAT

ClinVar aggregate classification (germline): Uncertain significance. Review status: criteria provided, multiple submitters, no conflicts (2 of 4 stars). 2 submissions from 2 submitters: Uncertain significance (2). Last evaluated 2025-02-24.

Conditions:
Familial cancer of breast. Also called: BREAST CANCER, FAMILIAL; hereditary breast carcinoma; Hereditary breast cancer. Identifiers: Orphanet 227535, MedGen C0346153, MONDO:0016419, OMIM 114480. Disease mechanism: loss of function.
Fanconi anemia complementation group J. Also called: BRIP1-Related Fanconi Anemia. Identifiers: Orphanet 84, MedGen C1836860, MONDO:0012187, OMIM 609054.
Hereditary cancer-predisposing syndrome. Also called: Neoplastic Syndromes, Hereditary; Tumor predisposition; Hereditary neoplastic syndrome; Hereditary Cancer Syndrome. Identifiers: Orphanet 140162, MedGen C0027672, MeSH D009386, MONDO:0015356.

Allele frequency attached by ClinVar (database versions not stated): gnomAD 0.00001.
gnomAD v4.1: 1 of 1,614,016 alleles (0.000062%); highest among the groups gnomAD compares: East Asian, 0.0022%; no homozygotes.

Submissions (2):

Ambry Genetics
Classification: Uncertain significance for Hereditary cancer-predisposing syndrome. Last evaluated: 2025-02-24. Review status: criteria provided, single submitter. Criteria: Ambry Variant Classification Scheme 2023. Collection method: clinical testing. Allele origin: germline.
Comment: The p.Q1010R variant (also known as c.3029A>G), located in coding exon 19 of the BRIP1 gene, results from an A to G substitution at nucleotide position 3029. The glutamine at codon 1010 is replaced by arginine, an amino acid with highly similar properties. This amino acid position is not well conserved in available vertebrate species. In addition, this alteration is predicted to be tolerated by in silico analysis. Since supporting evidence is limited at this time, the clinical significance of this alteration remains unclear.

Labcorp Genetics (formerly Invitae), Labcorp
Classification: Uncertain significance for Familial cancer of breast; Fanconi anemia complementation group J. Last evaluated: 2025-02-05. Review status: criteria provided, single submitter. Criteria: Invitae Variant Classification Sherloc (09022015). Collection method: clinical testing. Allele origin: germline.
Comment: This sequence change replaces glutamine, which is neutral and polar, with arginine, which is basic and polar, at codon 1010 of the BRIP1 protein (p.Gln1010Arg). This variant is not present in population databases (gnomAD no frequency). This variant has not been reported in the literature in individuals affected with BRIP1-related conditions. ClinVar contains an entry for this variant (Variation ID: 1798987). Invitae Evidence Modeling of protein sequence and biophysical properties (such as structural, functional, and spatial information, amino acid conservation, physicochemical variation, residue mobility, and thermodynamic stability) indicates that this missense variant is not expected to disrupt BRIP1 protein function with a negative predictive value of 95%. In summary, the available evidence is currently insufficient to determine the role of this variant in disease. Therefore, it has been classified as a Variant of Uncertain Significance.